The following is an entry in ClinVar:

ClinVar aggregate classification (germline): Uncertain significance (1 of 4 stars; one submission).

Conditions:
Cardiovascular phenotype. Identifiers: MedGen CN230736.

gnomAD v4.1: 1 of 1,613,108 alleles (0.000062%); highest among the groups gnomAD compares: Non-Finnish European, 0.000085%; no homozygotes.

Submission:

Ambry Genetics
Classification: Uncertain significance for Cardiovascular phenotype. Last evaluated: 2019-04-12. Review status: criteria provided, single submitter. Criteria: Ambry Variant Classification Scheme 2023. Collection method: clinical testing. Allele origin: germline.
Comment: The p.T256S variant (also known as c.767C>G), located in coding exon 5 of the MYOZ2 gene, results from a C to G substitution at nucleotide position 767. The threonine at codon 256 is replaced by serine, an amino acid with similar properties. This amino acid position is poorly conserved in available vertebrate species. In addition, this alteration is predicted to be tolerated by in silico analysis. Since supporting evidence is limited at this time, the clinical significance of this alteration remains unclear.

NM_016599.5(MYOZ2):c.767C>G (p.Thr256Ser)

Gene: MYOZ2 (myozenin 2; plus strand). Cytogenetic location: 4q26.
Variant type: single nucleotide variant.
Coding change: c.767C>G on transcript NM_016599.5 (MANE Select); coding-DNA position 767, C replaced by G.
Protein change: p.Thr256Ser; replaces threonine 256 with serine.
Molecular consequence: missense variant.
Genome position (GRCh38, 1-based): chr4:119,186,172, C>G. VCF-style: chr4-119186172-C-G. GRCh37 (hg19) VCF-style: chr4-120107327-C-G.
Other names: short protein forms T256S.
Identifiers: ClinVar variation 1760099 (VCV001760099.2), dbSNP rs1475858384, ClinGen allele CA358202467.